The following is an entry in ClinVar:

NM_001283009.2(RTEL1):c.3412C>A (p.Arg1138=)

Genes: RTEL1 (regulator of telomere elongation helicase 1; plus strand), RTEL1-TNFRSF6B (RTEL1-TNFRSF6B readthrough (NMD candidate); plus strand). Cytogenetic location: 20q13.33.
Variant type: single nucleotide variant.
Coding change: c.3412C>A on transcript NM_001283009.2 (MANE Select); coding-DNA position 3412, C replaced by A.
Protein change: p.Arg1138=; no amino-acid change (arginine 1138 retained).
Molecular consequence: synonymous variant. On other transcripts: non-coding transcript variant (1).
Genome position (GRCh38, 1-based): chr20:63,695,134, C>A. VCF-style: chr20-63695134-C-A. GRCh37 (hg19) VCF-style: chr20-62326487-C-A.
Other names: p.Arg1162=; c.2743C>A, p.Arg915= (NM_001283010.1); c.3412C>A, p.Arg1138= (NM_016434.4); c.3484C>A, p.Arg1162= (NM_032957.5).
Identifiers: ClinVar variation 473921 (VCV000473921.44), dbSNP rs6062495, ClinGen allele CA9966020.

ClinVar aggregate classification (germline): Benign/Likely benign. Review status: criteria provided, multiple submitters, no conflicts (2 of 4 stars). 9 submissions from 9 submitters: Benign (4); Likely benign (2). 3 of the submissions do not count toward it. Last evaluated 2026-03-01.

Conditions:
Inborn genetic diseases. Identifiers: MedGen C0950123, MeSH D030342.
Dyskeratosis congenita. Identifiers: Orphanet 1775, MedGen C0265965, MONDO:0015780.
Dyskeratosis congenita, autosomal recessive 5 (DKCB5). Identifiers: MedGen C3554656, MONDO:0014076, OMIM 615190.
Pulmonary fibrosis and/or bone marrow failure, Telomere-related, 3. Also called: PULMONARY FIBROSIS AND/OR BONE MARROW FAILURE SYNDROME, TELOMERE-RELATED, 3. Identifiers: Orphanet 2032, MedGen C4225346, MONDO:0014613, OMIM 616373.

Allele frequency attached by ClinVar (database versions not stated): 1000 Genomes Project 0.00519; TOPMed 0.00526; 1000 Genomes Project 30x 0.00562; ESP Exome Variant Server 0.00588.
gnomAD v4.1: 14,307 of 1,612,400 alleles (0.89%); highest among the groups gnomAD compares: Non-Finnish European, 1.1%; 87 homozygotes.

Submissions (9):

CeGaT Center for Human Genetics Tuebingen
Classification: Benign. Last evaluated: 2026-03-01. Review status: criteria provided, single submitter. Criteria: CeGaT Center For Human Genetics Tuebingen Variant Classification Criteria Version 2. Collection method: clinical testing. Allele origin: germline. Affected: yes. Observed: 8 variant alleles.
Comment: RTEL1: BP4, BP7, BS1, BS2

Labcorp Genetics (formerly Invitae), Labcorp
Classification: Benign for Dyskeratosis congenita, autosomal recessive 5; Pulmonary fibrosis and/or bone marrow failure, Telomere-related, 3. Last evaluated: 2026-02-04. Review status: criteria provided, single submitter. Criteria: Invitae Variant Classification Sherloc (09022015). Collection method: clinical testing. Allele origin: germline.

Blueprint Genetics
Classification: Likely benign. Last evaluated: 2024-11-27. Review status: criteria provided, single submitter. Criteria: ACMG Guidelines, 2015. Collection method: clinical testing. Allele origin: germline.

Mayo Clinic Laboratories, Mayo Clinic
Classification: Benign. Last evaluated: 2024-05-14. Review status: criteria provided, single submitter. Criteria: ACMG Guidelines, 2015. Collection method: clinical testing. Allele origin: germline. Observed: 17 variant alleles.
Comment: BS1, BS2, BP4, BP7

Ambry Genetics
Classification: Likely benign for Inborn genetic diseases. Last evaluated: 2022-02-17. Review status: criteria provided, single submitter. Criteria: Ambry Variant Classification Scheme 2023. Collection method: clinical testing. Allele origin: germline.

Breakthrough Genomics
Classification: Benign. Review status: criteria provided, single submitter. Criteria: ACMG Guidelines, 2015. Collection method: not provided. Allele origin: germline. Inheritance: Autosomal recessive inheritance. Affected: yes.

Natera, Inc.
Classification: Likely benign for Dyskeratosis congenita. Last evaluated: 2019-12-13. Review status: no assertion criteria provided. Collection method: clinical testing. Allele origin: germline. Not counted in ClinVar's aggregate classification.

Joint Genome Diagnostic Labs from Nijmegen and Maastricht, Radboudumc and MUMC+
Classification: Benign. Review status: no assertion criteria provided. Collection method: clinical testing. Allele origin: germline. Affected: yes. Study: VKGL Data-share Consensus. Not counted in ClinVar's aggregate classification.

Laboratory of Diagnostic Genome Analysis, Leiden University Medical Center (LUMC)
Classification: Benign. Review status: no assertion criteria provided. Collection method: clinical testing. Allele origin: germline. Affected: yes. Study: VKGL Data-share Consensus. Not counted in ClinVar's aggregate classification.